The following is an entry in ClinVar:

NM_001379291.1(BRD4):c.1832C>T (p.Ser611Phe)

Gene: BRD4 (bromodomain containing 4; minus strand). Cytogenetic location: 19p13.12.
Variant type: single nucleotide variant.
Coding change: c.1832C>T on transcript NM_001379291.1 (MANE Select); coding-DNA position 1832, C replaced by T.
Protein change: p.Ser611Phe; replaces serine 611 with phenylalanine.
Molecular consequence: missense variant.
Genome position (GRCh38, 1-based): chr19:15,255,512, G>A on the plus strand (C>T on the coding strand, the complement: BRD4 is on the minus strand). VCF-style: chr19-15255512-G-A. GRCh37 (hg19) VCF-style: chr19-15366323-G-A.
Other names: c.1832C>T, p.Ser611Phe (NM_001330384.2, NM_001379292.1, NM_014299.3 and 1 more transcripts); c.1832C>T (NM_058243.2); short protein forms S611F.
Identifiers: ClinVar variation 1717150 (VCV001717150.6), dbSNP rs2145570715, ClinGen allele CA404519849.
Genomic context (GRCh38, chr19:15,255,512, plus strand): 5'-CCCAGCTTCTCGCCGGGGAGCTTGTTGATGTCCAAGCTGAGCTGCCGCTTCTCCTCATAG[G>A]ACATAGGCTTGCACTTGTCCTCTTCCTCCGACTCATACGTGGGAGGGGGCTTGCTCTTCA-3'
Protein context (NP_001366220.1, residues 601-621): SEEEDKCKPM[Ser611Phe]YEEKRQLSLD

ClinVar aggregate classification (germline): Uncertain significance. Review status: criteria provided, multiple submitters, no conflicts (2 of 4 stars). 2 submissions from 2 submitters: Uncertain significance (2). Last evaluated 2025-10-15.

Conditions:
Inborn genetic diseases. Identifiers: MedGen C0950123, MeSH D030342.

Submissions (2):

Ambry Genetics
Classification: Uncertain significance for Inborn genetic diseases. Last evaluated: 2025-10-15. Review status: criteria provided, single submitter. Criteria: Ambry Variant Classification Scheme 2023. Collection method: clinical testing. Allele origin: germline.

Labcorp Genetics (formerly Invitae), Labcorp
Classification: Uncertain significance. Last evaluated: 2022-08-20. Review status: criteria provided, single submitter. Criteria: Invitae Variant Classification Sherloc (09022015). Collection method: clinical testing. Allele origin: germline.
Comment: In summary, the available evidence is currently insufficient to determine the role of this variant in disease. Therefore, it has been classified as a Variant of Uncertain Significance. Algorithms developed to predict the effect of missense changes on protein structure and function (SIFT, PolyPhen-2, Align-GVGD) all suggest that this variant is likely to be disruptive. This variant has not been reported in the literature in individuals affected with BRD4-related conditions. This variant is not present in population databases (gnomAD no frequency). This sequence change replaces serine, which is neutral and polar, with phenylalanine, which is neutral and non-polar, at codon 611 of the BRD4 protein (p.Ser611Phe).